The following is an entry in ClinVar:

NM_001365951.3(KIF1B):c.3550A>G (p.Ile1184Val)

Gene: KIF1B (kinesin family member 1B; plus strand). Cytogenetic location: 1p36.22.
Variant type: single nucleotide variant.
Coding change: c.3550A>G on transcript NM_001365951.3 (MANE Select); coding-DNA position 3550, A replaced by G.
Protein change: p.Ile1184Val; replaces isoleucine 1184 with valine.
Molecular consequence: missense variant.
Genome position (GRCh38, 1-based): chr1:10,342,086, A>G. VCF-style: chr1-10342086-A-G. GRCh37 (hg19) VCF-style: chr1-10402144-A-G.
Other names: c.3550A>G, p.Ile1184Val (NM_001365952.1); c.3412A>G, p.Ile1138Val (NM_015074.3); short protein forms I1138V, I1184V.
Identifiers: ClinVar variation 4858824 (VCV004858824.1).

ClinVar aggregate classification (germline): Uncertain significance (1 of 4 stars; one submission).

Submission:

Ambry Genetics
Classification: Uncertain significance. Last evaluated: 2026-03-28. Review status: criteria provided, single submitter. Criteria: Ambry Variant Classification Scheme 2023. Collection method: clinical testing. Allele origin: germline.
Comment: The p.I1138V variant (also known as c.3412A>G), located in coding exon 30 of the KIF1B gene, results from an A to G substitution at nucleotide position 3412. The isoleucine at codon 1138 is replaced by valine, an amino acid with highly similar properties. This amino acid position is conserved. In addition, this alteration is predicted to be tolerated by in silico analysis. Based on the available evidence, the clinical significance of this variant remains unclear.